The following is an entry in ClinVar:

NM_024675.4(PALB2):c.2725C>G (p.Leu909Val)

Gene: PALB2 (partner and localizer of BRCA2; minus strand). Cytogenetic location: 16p12.2.
Variant type: single nucleotide variant.
Coding change: c.2725C>G on transcript NM_024675.4 (MANE Select); coding-DNA position 2725, C replaced by G.
Protein change: p.Leu909Val; replaces leucine 909 with valine.
Molecular consequence: missense variant.
Genome position (GRCh38, 1-based): chr16:23,626,259, G>C on the plus strand (C>G on the coding strand, the complement: PALB2 is on the minus strand). VCF-style: chr16-23626259-G-C. GRCh37 (hg19) VCF-style: chr16-23637580-G-C.
Other names: short protein forms L909V.
Identifiers: ClinVar variation 410116 (VCV000410116.21), dbSNP rs1060502739, ClinGen allele CA16615221.
Genomic context (GRCh38, chr16:23,626,259, plus strand): 5'-CTGCAAAGATCTCTTTCAGCTCGAGATTCCCACTTACCTCTGCGAAGTGCCAGGTATAAA[G>C]TTTTTCCCACTGCCAAGCATCCAGAGCTTTCCAAAGAGAAACTACATCTTCGCAAGCAGT-3'
Protein context (NP_078951.2, residues 899-919): KALDAWQWEK[Leu909Val]YTWHFAEVPV

ClinVar aggregate classification (germline): Conflicting classifications of pathogenicity. Review status: criteria provided, conflicting classifications (1 of 4 stars). 3 submissions from 3 submitters: Uncertain significance (2); Likely benign (1). Last evaluated 2024-03-06.

Conditions:
Familial cancer of breast. Also called: BREAST CANCER, FAMILIAL; Hereditary breast cancer; hereditary breast carcinoma. Identifiers: Orphanet 227535, MedGen C0346153, MONDO:0016419, OMIM 114480. Disease mechanism: loss of function.
Hereditary cancer-predisposing syndrome. Also called: Tumor predisposition; Hereditary Cancer Syndrome; Hereditary neoplastic syndrome; Neoplastic Syndromes, Hereditary. Identifiers: Orphanet 140162, MedGen C0027672, MeSH D009386, MONDO:0015356.

Allele frequency attached by ClinVar (database versions not stated): gnomAD exomes below 0.00001; gnomAD 0.00001.
gnomAD v4.1: 2 of 1,614,038 alleles (0.00012%); highest among the groups gnomAD compares: Non-Finnish European, 0.00017%; no homozygotes.

Submissions (3):

Color Diagnostics, LLC DBA Color Health
Classification: Uncertain significance for Hereditary cancer-predisposing syndrome. Last evaluated: 2024-03-06. Review status: criteria provided, single submitter. Criteria: ACMG Guidelines, 2015. Collection method: clinical testing. Allele origin: germline.
Comment: This missense variant replaces leucine with valine at codon 909 of the PALB2 protein. Computational prediction suggests that this variant may not impact protein structure and function (internally defined REVEL score threshold <= 0.5, PMID: 27666373). Splice site prediction tools suggest that this variant may not impact RNA splicing. To our knowledge, functional studies have not been performed for this variant. This variant has not been reported in individuals affected with hereditary cancer in the literature. This variant has been identified in 1/31396 chromosomes in the general population by the Genome Aggregation Database (gnomAD). The available evidence is insufficient to determine the role of this variant in disease conclusively. Therefore, this variant is classified as a Variant of Uncertain Significance.

Labcorp Genetics (formerly Invitae), Labcorp
Classification: Uncertain significance for Familial cancer of breast. Last evaluated: 2023-04-18. Review status: criteria provided, single submitter. Criteria: Invitae Variant Classification Sherloc (09022015). Collection method: clinical testing. Allele origin: germline.
Comment: In summary, the available evidence is currently insufficient to determine the role of this variant in disease. Therefore, it has been classified as a Variant of Uncertain Significance. Advanced modeling of protein sequence and biophysical properties (such as structural, functional, and spatial information, amino acid conservation, physicochemical variation, residue mobility, and thermodynamic stability) performed at Invitae indicates that this missense variant is not expected to disrupt PALB2 protein function. ClinVar contains an entry for this variant (Variation ID: 410116). This variant has not been reported in the literature in individuals affected with PALB2-related conditions. This variant is present in population databases (no rsID available, gnomAD 0.007%). This sequence change replaces leucine, which is neutral and non-polar, with valine, which is neutral and non-polar, at codon 909 of the PALB2 protein (p.Leu909Val).

Ambry Genetics
Classification: Likely benign for Hereditary cancer-predisposing syndrome. Last evaluated: 2016-04-29. Review status: criteria provided, single submitter. Criteria: Ambry Variant Classification Scheme 2023. Collection method: clinical testing. Allele origin: germline.